The following is an entry in ClinVar:

NM_000083.3(CLCN1):c.1663C>T (p.His555Tyr)

Gene: CLCN1 (chloride voltage-gated channel 1; plus strand). Cytogenetic location: 7q34.
Variant type: single nucleotide variant.
Coding change: c.1663C>T on transcript NM_000083.3 (MANE Select); coding-DNA position 1663, C replaced by T.
Protein change: p.His555Tyr; replaces histidine 555 with tyrosine.
Molecular consequence: missense variant. On other transcripts: non-coding transcript variant (1).
Genome position (GRCh38, 1-based): chr7:143,342,009, C>T. VCF-style: chr7-143342009-C-T. GRCh37 (hg19) VCF-style: chr7-143039102-C-T.
Other names: short protein forms H555Y.
Identifiers: ClinVar variation 390794 (VCV000390794.2), dbSNP rs201850090, ClinGen allele CA4537446.

ClinVar aggregate classification (germline): Likely pathogenic (1 of 4 stars; one submission).

Allele frequency attached by ClinVar (database versions not stated): gnomAD 0.00001; gnomAD exomes 0.00001 and 0.00008; TOPMed 0.00003; ExAC 0.00005; 1000 Genomes Project 30x 0.00016; 1000 Genomes Project 0.00020.
gnomAD v4.1: 22 of 1,614,208 alleles (0.0014%); highest among the groups gnomAD compares: East Asian, 0.049%; no homozygotes.

Submission:

GeneDx
Classification: Likely pathogenic. Last evaluated: 2017-06-13. Review status: criteria provided, single submitter. Criteria: GeneDx Variant Classification (06012015). Collection method: clinical testing. Allele origin: germline. Affected: yes.
Comment: The H555Y variant in the CLCN1 gene has not been reported previously as a pathogenic variant, nor as a benign variant, to our knowledge. The H555Y variant is not observed at a significant frequency in large population cohorts (Lek et al., 2016). The H555Y variant is a non-conservative amino acid substitution, which is likely to impact secondary protein structure as these residues differ in polarity, charge, size and/or other properties. In-silico analyses, including protein predictors and evolutionary conservation, support a deleterious effect. Missense variants in the same (H555N) and nearby residues (T550M/R; G551D; I553F; H555N; I556N; M560T) have been reported in the Human Gene Mutation Database in association with myotonia congenita (Stenson et al., 2014), supporting the functional importance of this region of the protein. We interpret H555Y as a likely pathogenic variant.